The following is an entry in ClinVar:

ClinVar aggregate classification (germline): Conflicting classifications of pathogenicity. Review status: criteria provided, conflicting classifications (1 of 4 stars). 3 submissions from 3 submitters: Uncertain significance (1); Likely benign (1). 1 of the submissions does not count toward it. Last evaluated 2026-09-10.

Conditions:
Familial thoracic aortic aneurysm and aortic dissection (TAAD). Also called: Thoracic aortic aneurysms and dissections. Identifiers: Orphanet 91387, MedGen C4707243, MONDO:0019625.
MED12-Related Disorders. Also called: MED12-related condition; MED12-related disorder. Identifiers: MedGen CN381102.
FG syndrome (FGS). Identifiers: MedGen C0220769, MONDO:0002010.

Allele frequency attached by ClinVar (database versions not stated): TOPMed 0.00001; gnomAD 0.00002; gnomAD exomes 0.00003.
gnomAD v4.1: 30 of 1,191,685 alleles (0.0025%); highest among the groups gnomAD compares: Non-Finnish European, 0.0034%; no homozygotes.

Submissions (3):

Ambry Genetics
Classification: Likely benign for Familial thoracic aortic aneurysm and aortic dissection. Last evaluated: 2026-09-10. Review status: criteria provided, single submitter. Criteria: Ambry Variant Classification Scheme 2023. Collection method: clinical testing. Allele origin: germline.

Labcorp Genetics (formerly Invitae), Labcorp
Classification: Uncertain significance for FG syndrome. Last evaluated: 2023-12-29. Review status: criteria provided, single submitter. Criteria: Invitae Variant Classification Sherloc (09022015). Collection method: clinical testing. Allele origin: germline.
Comment: This sequence change replaces asparagine, which is neutral and polar, with serine, which is neutral and polar, at codon 1512 of the MED12 protein (p.Asn1512Ser). This variant is not present in population databases (gnomAD no frequency). This variant has not been reported in the literature in individuals affected with MED12-related conditions. Advanced modeling of protein sequence and biophysical properties (such as structural, functional, and spatial information, amino acid conservation, physicochemical variation, residue mobility, and thermodynamic stability) performed at Invitae indicates that this missense variant is not expected to disrupt MED12 protein function with a negative predictive value of 95%. In summary, the available evidence is currently insufficient to determine the role of this variant in disease. Therefore, it has been classified as a Variant of Uncertain Significance.

PreventionGenetics, part of Exact Sciences
Classification: Uncertain significance for MED12-related condition. Last evaluated: 2023-12-01. Review status: no assertion criteria provided. Collection method: clinical testing. Allele origin: germline. Not counted in ClinVar's aggregate classification.
Comment: The MED12 c.4535A>G variant is predicted to result in the amino acid substitution p.Asn1512Ser. To our knowledge, this variant has not been reported in the literature or in a large population database, indicating this variant is rare. At this time, the clinical significance of this variant is uncertain due to the absence of conclusive functional and genetic evidence.

NM_005120.3(MED12):c.4535A>G (p.Asn1512Ser)

Gene: MED12 (mediator complex subunit 12; plus strand). Cytogenetic location: Xq13.1.
Variant type: single nucleotide variant.
Coding change: c.4535A>G on transcript NM_005120.3 (MANE Select); coding-DNA position 4535, A replaced by G.
Protein change: p.Asn1512Ser; replaces asparagine 1512 with serine.
Molecular consequence: missense variant.
Genome position (GRCh38, 1-based): chrX:71,133,130, A>G. VCF-style: chrX-71133130-A-G. GRCh37 (hg19) VCF-style: chrX-70352980-A-G.
Other names: c.4535A>G (NM_005120.2); short protein forms N1512S.
Identifiers: ClinVar variation 2713639 (VCV002713639.7), dbSNP rs753169363, ClinGen allele CA330982164.